The following is an entry in ClinVar:

NM_000146.4(FTL):c.102+1G>A

Gene: FTL (ferritin light chain; plus strand). Cytogenetic location: 19q13.33.
Variant type: single nucleotide variant.
Coding change: c.102+1G>A on transcript NM_000146.4 (MANE Select); the canonical splice donor site of the intron after coding-DNA position 102, G replaced by A.
Molecular consequence: splice donor variant.
Genome position (GRCh38, 1-based): chr19:48,965,610, G>A. VCF-style: chr19-48965610-G-A. GRCh37 (hg19) VCF-style: chr19-49468867-G-A.
Identifiers: ClinVar variation 4886416 (VCV004886416.2).

ClinVar aggregate classification (germline): Likely pathogenic (1 of 4 stars; one submission).

Submission:

Dasa
Classification: Likely pathogenic. Last evaluated: 2025-11-17. Review status: criteria provided, single submitter. Criteria: DASA Assertion Criteria. Collection method: clinical testing. Allele origin: germline.
Comment: NM_000146.4(FTL):c.102+1G>A affects a canonical splice site and is predicted to disrupt normal RNA splicing. Loss of function is an established disease mechanism for FTL-associated disorders. Also, this variant is absent from population databases. Based on the currently available evidence, this variant is classified as likely pathogenic.